The following is an entry in ClinVar:

ClinVar aggregate classification (germline): Uncertain significance (1 of 4 stars; one submission).

Conditions:
Inborn genetic diseases. Identifiers: MedGen C0950123, MeSH D030342.

Submission:

Ambry Genetics
Classification: Uncertain significance for Inborn genetic diseases. Last evaluated: 2025-06-13. Review status: criteria provided, single submitter. Criteria: Ambry Variant Classification Scheme 2023. Collection method: clinical testing. Allele origin: germline.
Comment: The p.D341H variant (also known as c.1021G>C), located in coding exon 3 of the MBD4 gene, results from a G to C substitution at nucleotide position 1021. The aspartic acid at codon 341 is replaced by histidine, an amino acid with similar properties. This amino acid position is conserved. In addition, this alteration is predicted to be tolerated by in silico analysis. Based on the available evidence, the clinical significance of this variant remains unclear.

NM_001276270.2(MBD4):c.1021G>C (p.Asp341His)

Gene: MBD4 (methyl-CpG binding domain 4, DNA glycosylase; minus strand). Cytogenetic location: 3q21.3.
Variant type: single nucleotide variant.
Coding change: c.1021G>C on transcript NM_001276270.2 (MANE Select); coding-DNA position 1021, G replaced by C.
Protein change: p.Asp341His; replaces aspartic acid 341 with histidine.
Molecular consequence: missense variant. On other transcripts: intron variant (1).
Genome position (GRCh38, 1-based): chr3:129,436,623, C>G on the plus strand (G>C on the coding strand, the complement: MBD4 is on the minus strand). VCF-style: chr3-129436623-C-G. GRCh37 (hg19) VCF-style: chr3-129155466-C-G.
Other names: c.1021G>C, p.Asp341His (NM_001276271.2, NM_001276272.2, NM_003925.3); c.247+1185G>C (NM_001276273.2); short protein forms D341H.
Identifiers: ClinVar variation 4052257 (VCV004052257.1).
Genomic context (GRCh38, chr3:129,436,623, plus strand): 5'-TTGTTCCGATTTCTTCAGATTCTAAAAAGGTATCCTCATACTTCTCGTTGTGTTCTGAGT[C>G]TTTGGCTGAACAAAATTTGTTTATGATGCCAGAAGTTTTTTGTTCAGAACAAAAATTTGA-3'
Protein context (NP_001263199.1, residues 331-351): GIINKFCSAK[Asp341His]SEHNEKYEDT